The following is an entry in ClinVar:

NM_006218.4(PIK3CA):c.1769G>A (p.Trp590Ter)

Gene: PIK3CA (phosphatidylinositol-4,5-bisphosphate 3-kinase catalytic subunit alpha; plus strand). Cytogenetic location: 3q26.32.
Variant type: single nucleotide variant.
Coding change: c.1769G>A on transcript NM_006218.4 (MANE Select); coding-DNA position 1769, G replaced by A.
Protein change: p.Trp590Ter; replaces tryptophan 590 with a stop codon.
Molecular consequence: nonsense.
Genome position (GRCh38, 1-based): chr3:179,219,593, G>A. VCF-style: chr3-179219593-G-A. GRCh37 (hg19) VCF-style: chr3-178937381-G-A.
Other names: c.1769G>A (LRG_310t1); short protein forms W590*.
Identifiers: ClinVar variation 132965 (VCV000132965.2), dbSNP rs104886021, ClinGen allele CA269878.
Genomic context (GRCh38, chr3:179,219,593, plus strand): 5'-CCCCTTTAAATATGATTTATTGTCTTTCTCATACACAGATGTATTGCTTGGTAAAAGATT[G>A]GCCTCCAATCAAACCTGAACAGGCTATGGAACTTCTGGACTGTAATTACCCAGATCCTAT-3'

ClinVar aggregate classification (germline): not provided (0 of 4 stars; one submission).

Conditions:
Familial cancer of breast. Also called: BREAST CANCER, FAMILIAL; hereditary breast carcinoma; Hereditary breast cancer. Identifiers: Orphanet 227535, MedGen C0346153, MONDO:0016419, OMIM 114480. Disease mechanism: loss of function.

Submission:

Laboratory of Translational Genomics,  National Cancer Institute
No classification provided. Condition: Familial cancer of breast. Review status: no classification provided. Collection method: not provided. Allele origin: somatic.
Comment: Breast Cancer specimen